The following is an entry in ClinVar:

ClinVar aggregate classification (germline): Uncertain significance. Review status: criteria provided, multiple submitters, no conflicts (2 of 4 stars). 3 submissions from 3 submitters: Uncertain significance (3). Last evaluated 2023-12-11.

Conditions:
Inborn genetic diseases. Identifiers: MedGen C0950123, MeSH D030342.

Allele frequency attached by ClinVar (database versions not stated): ExAC 0.00001; gnomAD exomes 0.00002 and 0.00003; gnomAD 0.00005 and 0.00009; TOPMed 0.00011; ESP Exome Variant Server 0.00015.
gnomAD v4.1: 63 of 1,610,966 alleles (0.0039%); highest among the groups gnomAD compares: African/African-American, 0.02%; no homozygotes.

Submissions (3):

Labcorp Genetics (formerly Invitae), Labcorp
Classification: Uncertain significance. Last evaluated: 2023-12-11. Review status: criteria provided, single submitter. Criteria: Invitae Variant Classification Sherloc (09022015). Collection method: clinical testing. Allele origin: germline.
Comment: This sequence change replaces alanine, which is neutral and non-polar, with valine, which is neutral and non-polar, at codon 288 of the ROR2 protein (p.Ala288Val). This variant is present in population databases (rs138087167, gnomAD 0.009%). This variant has not been reported in the literature in individuals affected with ROR2-related conditions. ClinVar contains an entry for this variant (Variation ID: 1051287). Advanced modeling of protein sequence and biophysical properties (such as structural, functional, and spatial information, amino acid conservation, physicochemical variation, residue mobility, and thermodynamic stability) performed at Invitae indicates that this missense variant is not expected to disrupt ROR2 protein function with a negative predictive value of 80%. In summary, the available evidence is currently insufficient to determine the role of this variant in disease. Therefore, it has been classified as a Variant of Uncertain Significance.

Ambry Genetics
Classification: Uncertain significance for Inborn genetic diseases. Last evaluated: 2023-10-16. Review status: criteria provided, single submitter. Criteria: Ambry Variant Classification Scheme 2023. Collection method: clinical testing. Allele origin: germline.

GeneDx
Classification: Uncertain significance. Last evaluated: 2019-05-24. Review status: criteria provided, single submitter. Criteria: GeneDx Variant Classification Process June 2021. Collection method: clinical testing. Allele origin: germline. Affected: yes.
Comment: Not observed at a significant frequency in large population cohorts (Lek et al., 2016); In silico analysis, which includes protein predictors and evolutionary conservation, supports that this variant does not alter protein structure/function; Has not been previously published as pathogenic or benign to our knowledge

NM_004560.4(ROR2):c.863C>T (p.Ala288Val)

Gene: ROR2 (receptor tyrosine kinase like orphan receptor 2; minus strand). Cytogenetic location: 9q22.31.
Variant type: single nucleotide variant.
Coding change: c.863C>T on transcript NM_004560.4 (MANE Select); coding-DNA position 863, C replaced by T.
Protein change: p.Ala288Val; replaces alanine 288 with valine.
Molecular consequence: missense variant.
Genome position (GRCh38, 1-based): chr9:91,733,196, G>A on the plus strand (C>T on the coding strand, the complement: ROR2 is on the minus strand). VCF-style: chr9-91733196-G-A. GRCh37 (hg19) VCF-style: chr9-94495478-G-A.
Other names: c.863C>T, p.Ala288Val (NM_001318204.2); short protein forms A288V.
Identifiers: ClinVar variation 1051287 (VCV001051287.13), dbSNP rs138087167, ClinGen allele CA5120872.